The following is an entry in ClinVar:

NM_001353921.2(ARHGEF9):c.503G>A (p.Gly168Asp)

Gene: ARHGEF9 (Cdc42 guanine nucleotide exchange factor 9; minus strand). Cytogenetic location: Xq11.1.
Variant type: single nucleotide variant.
Coding change: c.503G>A on transcript NM_001353921.2 (MANE Select); coding-DNA position 503, G replaced by A.
Protein change: p.Gly168Asp; replaces glycine 168 with aspartic acid.
Molecular consequence: missense variant.
Genome position (GRCh38, 1-based): chrX:63,697,204, C>T on the plus strand (G>A on the coding strand, the complement: ARHGEF9 is on the minus strand). VCF-style: chrX-63697204-C-T. GRCh37 (hg19) VCF-style: chrX-62917084-C-T.
Other names: c.323G>A, p.Gly108Asp (NM_001173479.2); c.176G>A, p.Gly59Asp (NM_001173480.2, NM_001369042.1); c.419G>A, p.Gly140Asp (NM_001330495.2, NM_001353927.2, NM_001369033.1 and 8 more transcripts); c.503G>A, p.Gly168Asp (NM_001353922.2); c.521G>A, p.Gly174Asp (NM_001353923.1); c.302G>A, p.Gly101Asp (NM_001353924.2, NM_001353926.2, NM_001369039.1 and 1 more transcripts); c.482G>A, p.Gly161Asp (NM_001353928.2, NM_001369030.1, NM_001369031.1 and 2 more transcripts); c.68G>A, p.Gly23Asp (NM_001369045.1); short protein forms G101D, G108D, G140D, G161D, G168D, G174D, G23D, G59D.
Identifiers: ClinVar variation 2633227 (VCV002633227.4), dbSNP rs2519843476, ClinGen allele CA413407001.

ClinVar aggregate classification (germline): Conflicting classifications of pathogenicity. Review status: criteria provided, conflicting classifications (1 of 4 stars). 2 submissions from 2 submitters: Uncertain significance (1); Likely benign (1). Last evaluated 2023-11-27.

Conditions:
Developmental and epileptic encephalopathy, 8 (DEE8). Also called: HYPEREKPLEXIA AND EPILEPSY. Identifiers: Orphanet 163985, Orphanet 2076, MedGen C1845102, MONDO:0010375, OMIM 300607.
ARHGEF9-related disorder. Also called: ARHGEF9-related condition.

Submissions (2):

Labcorp Genetics (formerly Invitae), Labcorp
Classification: Likely benign for Developmental and epileptic encephalopathy, 8. Last evaluated: 2023-11-27. Review status: criteria provided, single submitter. Criteria: Invitae Variant Classification Sherloc (09022015). Collection method: clinical testing. Allele origin: germline.

PreventionGenetics, part of Exact Sciences
Classification: Uncertain significance for ARHGEF9-related condition. Last evaluated: 2023-05-06. Review status: criteria provided, single submitter. Criteria: ACMG Guidelines, 2015. Collection method: clinical testing. Allele origin: germline.
Comment: The ARHGEF9 c.482G>A variant is predicted to result in the amino acid substitution p.Gly161Asp. To our knowledge, this variant has not been reported in the literature or in a large population database, indicating this variant is rare. At this time, the clinical significance of this variant is uncertain due to the absence of conclusive functional and genetic evidence.